The following is an entry in ClinVar:

ClinVar aggregate classification (germline): Pathogenic (1 of 4 stars; one submission).

Conditions:
Niemann-Pick disease, type B. Also called: Chronic Visceral ASMD (Niemann-Pick Disease Type B; NPD-B). Identifiers: Orphanet 77293, MedGen C0268243, MONDO:0011871, OMIM 607616. Disease mechanism: loss of function.
Niemann-Pick disease, type A. Also called: SPHINGOMYELIN LIPIDOSIS; SPHINGOMYELINASE DEFICIENCY; Infantile Neurovisceral ASMD (Niemann-Pick Disease Type A; NPD-A). Identifiers: Orphanet 77292, MedGen C0268242, MONDO:0009756, OMIM 257200. Disease mechanism: loss of function.

Submission:

Labcorp Genetics (formerly Invitae), Labcorp
Classification: Pathogenic for Niemann-Pick disease, type B; Niemann-Pick disease, type A. Last evaluated: 2025-07-23. Review status: criteria provided, single submitter. Criteria: Invitae Variant Classification Sherloc (09022015). Collection method: clinical testing. Allele origin: germline.
Comment: This sequence change creates a premature translational stop signal (p.Leu37Argfs*38) in the SMPD1 gene. It is expected to result in an absent or disrupted protein product. Loss-of-function variants in SMPD1 are known to be pathogenic (PMID: 12369017, 15221801). This variant is not present in population databases (gnomAD no frequency). This variant has not been reported in the literature in individuals affected with SMPD1-related conditions. ClinVar contains an entry for this variant (Variation ID: 959328). For these reasons, this variant has been classified as Pathogenic.

Literature cited by the submitters: PubMed 12369017; PubMed 15221801.

NM_000543.5(SMPD1):c.110_116del (p.Leu37fs)

Gene: SMPD1 (sphingomyelin phosphodiesterase 1; plus strand). Cytogenetic location: 11p15.4.
Variant type: Deletion.
Coding change: c.110_116del on transcript NM_000543.5 (MANE Select); coding-DNA positions 110 to 116, 7 bases deleted (TGGCGCT; older notation c.110_116delTGGCGCT).
Protein change: p.Leu37fs; shifts the reading frame from leucine 37.
Molecular consequence: frameshift variant. On other transcripts: 5 prime UTR variant (1), non-coding transcript variant (2).
Genome position (GRCh38, 1-based): chr11:6,390,708-6,390,714, TGGCGCT deleted. VCF-style (leftmost placement, unchanged base first): chr11-6390707-CTGGCGCT-C. GRCh37 (hg19) VCF-style: chr11-6411937-CTGGCGCT-C.
Other names: c.110_116del, p.Leu37fs (NM_001007593.3, NM_001318087.2, NM_001365135.2); c.-852_-846del (NM_001318088.2); short protein forms L37fs.
Identifiers: ClinVar variation 959328 (VCV000959328.8), dbSNP rs1847863441, ClinGen allele CA1139661803.
Genomic context (GRCh38, chr11:6,390,707, plus strand): 5'-CGGGAGCAGGGACAAGACGGGACCGCCGGAGCCCCCGGACTCCTTTGGATGGGCCTGGTG[CTGGCGCT>C]GGCGCTGGCGCTGGCGCTGGCGCTGGCTCTGTCTGACTCTCGGGTTCTCTGGGCTCCGGC-3'